The following is an entry in ClinVar:

ClinVar aggregate classification (germline): Pathogenic/Likely pathogenic. Review status: criteria provided, multiple submitters, no conflicts (2 of 4 stars). 2 submissions from 2 submitters: Pathogenic (1); Likely pathogenic (1). Last evaluated 2022-12-15.

Conditions:
MBOAT7-related disorders.

Submissions (2):

Blueprint Genetics
Classification: Likely pathogenic for MBOAT7-related disorders. Last evaluated: 2022-12-15. Review status: criteria provided, single submitter. Criteria: ACMG Guidelines, 2015. Collection method: clinical testing. Allele origin: germline. Affected: yes. Observed: 1 variant allele.

CeGaT Center for Human Genetics Tuebingen
Classification: Pathogenic. Last evaluated: 2022-10-01. Review status: criteria provided, single submitter. Criteria: CeGaT Center For Human Genetics Tuebingen Variant Classification Criteria Version 2. Collection method: clinical testing. Allele origin: germline. Affected: yes. Observed: 1 variant allele.
Comment: MBOAT7: PVS1, PM2

NM_024298.5(MBOAT7):c.849dup (p.Ser284fs)

Gene: MBOAT7 (membrane bound acylglycerophosphatidylinositol O-acyltransferase MBOAT7; minus strand). Cytogenetic location: 19q13.42.
Variant type: Duplication.
Coding change: c.849dup on transcript NM_024298.5 (MANE Select); coding-DNA position 849, one base duplicated (C; older notation c.849dupC).
Protein change: p.Ser284fs; shifts the reading frame from serine 284.
Molecular consequence: frameshift variant.
Genome position (GRCh38, 1-based): chr19:54,180,778, G duplicated on the plus strand (C on the coding strand, the reverse complement: MBOAT7 is on the minus strand); the first of 6 consecutive G bases (chr19:54,180,778-54,180,783); duplicating any one gives the same sequence. VCF-style (leftmost placement, unchanged base first): chr19-54180777-T-TG. GRCh37 (hg19) VCF-style: chr19-54684494-T-TG.
Other names: c.630dup, p.Ser211fs (NM_001146056.3, NM_001146083.3); c.849dup, p.Ser284fs (NM_001146082.3); short protein forms S211fs, S284fs.
Identifiers: ClinVar variation 1879456 (VCV001879456.30), dbSNP rs1382747435, ClinGen allele CA997153527.